The following is an entry in ClinVar:

ClinVar aggregate classification (germline): Pathogenic (1 of 4 stars; one submission).

Submission:

Labcorp Genetics (formerly Invitae), Labcorp
Classification: Pathogenic. Last evaluated: 2023-07-14. Review status: criteria provided, single submitter. Criteria: Invitae Variant Classification Sherloc (09022015). Collection method: clinical testing. Allele origin: germline.
Comment: This variant is not present in population databases (gnomAD no frequency). This sequence change creates a premature translational stop signal (p.Leu1095Profs*19) in the COL7A1 gene. It is expected to result in an absent or disrupted protein product. Loss-of-function variants in COL7A1 are known to be pathogenic (PMID: 16971478). This variant has not been reported in the literature in individuals affected with COL7A1-related conditions. For these reasons, this variant has been classified as Pathogenic.

Literature cited by the submitters: PubMed 16971478.

NM_000094.4(COL7A1):c.3281dup (p.Leu1095fs)

Gene: COL7A1 (collagen type VII alpha 1 chain; minus strand). Cytogenetic location: 3p21.31.
Variant type: Duplication.
Coding change: c.3281dup on transcript NM_000094.4 (MANE Select); coding-DNA position 3281, one base duplicated (G; older notation c.3281dupG).
Protein change: p.Leu1095fs; shifts the reading frame from leucine 1095.
Molecular consequence: frameshift variant.
Genome position (GRCh38, 1-based): chr3:48,586,685, C duplicated on the plus strand (G on the coding strand, the reverse complement: COL7A1 is on the minus strand); the first of 2 consecutive C bases (chr3:48,586,685-48,586,686); duplicating either gives the same sequence. VCF-style (leftmost placement, unchanged base first): chr3-48586684-G-GC. GRCh37 (hg19) VCF-style: chr3-48624117-G-GC.
Other names: short protein forms L1095fs.
Identifiers: ClinVar variation 2743295 (VCV002743295.3), dbSNP rs2531215713, ClinGen allele CA2697550934.
Genomic context (GRCh38, chr3:48,586,684, plus strand): 5'-AAGGTCATGGGAGCCATTCAGTGGGAACAGTGGGGAGGGCCGATGACTGTAAGACAGCAG[G>GC]CCAACCTGGGGTGGAAGGAAACACAGAGCCTGAGGAGGATGACAGAGCAGGGATGGGGGT-3'